The following is an entry in ClinVar:

NM_000044.6(AR):c.2231G>T (p.Gly744Val)

Gene: AR (androgen receptor; plus strand). Cytogenetic location: Xq12.
Variant type: single nucleotide variant.
Coding change: c.2231G>T on transcript NM_000044.6 (MANE Select); coding-DNA position 2231, G replaced by T.
Protein change: p.Gly744Val; replaces glycine 744 with valine.
Molecular consequence: missense variant.
Genome position (GRCh38, 1-based): chrX:67,717,535, G>T. VCF-style: chrX-67717535-G-T. GRCh37 (hg19) VCF-style: chrX-66937377-G-T.
Other names: G743V; c.635G>T, p.Gly212Val (NM_001011645.3); short protein forms G212V, G744V.
Identifiers: ClinVar variation 9857 (VCV000009857.9), dbSNP rs137852600, ClinGen allele CA120786.

ClinVar aggregate classification (germline): Pathogenic. Review status: criteria provided, single submitter (1 of 4 stars). 3 submissions from 2 submitters: Pathogenic (1). 2 of the submissions do not count toward it. Last evaluated 2025-10-21.

Conditions:
Kennedy disease (SMAX1). Also called: KENNEDY SPINAL AND BULBAR MUSCULAR ATROPHY; SPINAL AND BULBAR MUSCULAR ATROPHY, X-LINKED 1; Spinal and Bulbar Muscular Atrophy. Identifiers: Orphanet 481, MedGen C1839259, MONDO:0010735, OMIM 313200.
Androgen resistance syndrome (AIS). Also called: Androgen insensitivity, complete; DIHYDROTESTOSTERONE RECEPTOR DEFICIENCY; Androgen insensitivity; Androgen insensitivity syndrome; ANDROGEN RECEPTOR DEFICIENCY; TESTICULAR FEMINIZATION SYNDROME. Identifiers: Orphanet 754, Orphanet 99429, MedGen C0039585, MONDO:0019154, OMIM 300068. Disease mechanism: loss of function.
Partial androgen insensitivity syndrome (PAIS). Also called: ANDROGEN INSENSITIVITY, PARTIAL, WITH OR WITHOUT BREAST CANCER; Reifenstein syndrome, partial; Androgen resistance syndrome, partial; Type I familial incomplete male pseudohermaphroditism; Partial Androgen Insensitivity Syndrome (PAIS); Reifenstein syndrome. Identifiers: Orphanet 90797, MedGen C0268301, MONDO:0010720, OMIM 312300.

Submissions (3):

Labcorp Genetics (formerly Invitae), Labcorp
Classification: Pathogenic for Kennedy disease; Androgen resistance syndrome. Last evaluated: 2025-10-21. Review status: criteria provided, single submitter. Criteria: Invitae Variant Classification Sherloc (09022015). Collection method: clinical testing. Allele origin: germline.
Comment: This sequence change replaces glycine, which is neutral and non-polar, with valine, which is neutral and non-polar, at codon 744 of the AR protein (p.Gly744Val). This variant is not present in population databases (gnomAD no frequency). This missense change has been observed in individual(s) with androgen insensitivity syndrome (PMID: 8096390, 8325932, 9768671). In at least one individual the variant was observed to be de novo. This variant is also known as Gly743Val. ClinVar contains an entry for this variant (Variation ID: 9857). Invitae Evidence Modeling of protein sequence and biophysical properties (such as structural, functional, and spatial information, amino acid conservation, physicochemical variation, residue mobility, and thermodynamic stability) has been performed for this missense variant. However, the output from this modeling did not meet the statistical confidence thresholds required to predict the impact of this variant on AR protein function. Experimental studies have shown that this missense change affects AR function (PMID: 8325932, 9768671). For these reasons, this variant has been classified as Pathogenic.

OMIM
Classification: Pathogenic for ANDROGEN INSENSITIVITY, PARTIAL. Last evaluated: 1993-07-01. Review status: no assertion criteria provided. Collection method: literature only. Allele origin: germline. Not counted in ClinVar's aggregate classification.

OMIM
Classification: Pathogenic for ANDROGEN INSENSITIVITY, COMPLETE. Last evaluated: 1993-07-01. Review status: no assertion criteria provided. Collection method: literature only. Allele origin: germline. Not counted in ClinVar's aggregate classification.

Literature cited by the submitters: PubMed 8096390 (cited by Labcorp Genetics (formerly Invitae), Labcorp and OMIM); PubMed 8325932 (cited by Labcorp Genetics (formerly Invitae), Labcorp and OMIM); PubMed 9768671 (cited by Labcorp Genetics (formerly Invitae), Labcorp).